The following is an entry in ClinVar:

ClinVar aggregate classification (germline): Benign/Likely benign. Review status: criteria provided, multiple submitters, no conflicts (2 of 4 stars). 5 submissions from 5 submitters: Benign (2); Likely benign (3). Last evaluated 2026-08-20.

Conditions:
KIAA1549-related disorder. Also called: KIAA1549-related condition.
Inborn genetic diseases. Identifiers: MedGen C0950123, MeSH D030342.

Allele frequency attached by ClinVar (database versions not stated): gnomAD exomes 0.00032; ExAC 0.00041; 1000 Genomes Project 0.00080; 1000 Genomes Project 30x 0.00094; gnomAD 0.00106 and 0.00113; TOPMed 0.00137; ESP Exome Variant Server 0.00169.
gnomAD v4.1: 336 of 1,613,946 alleles (0.021%); highest among the groups gnomAD compares: African/African-American, 0.41%; 3 homozygotes.

Submissions (5):

PreventionGenetics, part of Exact Sciences
Classification: Likely benign for KIAA1549-related condition. Last evaluated: 2026-08-20. Review status: criteria provided, single submitter. Criteria: ACMG Guidelines, 2015. Collection method: clinical testing. Allele origin: germline.
Comment: This variant is classified as likely benign based on ACMG/AMP sequence variant interpretation guidelines (Richards et al. 2015 PMID: 25741868, with internal and published modifications).

Labcorp Genetics (formerly Invitae), Labcorp
Classification: Benign. Last evaluated: 2026-01-27. Review status: criteria provided, single submitter. Criteria: Invitae Variant Classification Sherloc (09022015). Collection method: clinical testing. Allele origin: germline.

Ambry Genetics
Classification: Likely benign for Inborn genetic diseases. Last evaluated: 2025-06-10. Review status: criteria provided, single submitter. Criteria: Ambry Variant Classification Scheme 2023. Collection method: clinical testing. Allele origin: germline.

Blueprint Genetics
Classification: Likely benign. Last evaluated: 2024-09-20. Review status: criteria provided, single submitter. Criteria: ACMG Guidelines, 2015. Collection method: clinical testing. Allele origin: germline.

Breakthrough Genomics
Classification: Benign. Review status: criteria provided, single submitter. Criteria: ACMG Guidelines, 2015. Collection method: not provided. Allele origin: germline. Inheritance: Autosomal recessive inheritance. Affected: yes.

NM_001164665.2(KIAA1549):c.404C>A (p.Pro135His)

Gene: KIAA1549 (KIAA1549; minus strand). Cytogenetic location: 7q34.
Variant type: single nucleotide variant.
Coding change: c.404C>A on transcript NM_001164665.2 (MANE Select); coding-DNA position 404, C replaced by A.
Protein change: p.Pro135His; replaces proline 135 with histidine.
Molecular consequence: missense variant.
Genome position (GRCh38, 1-based): chr7:138,919,222, G>T on the plus strand (C>A on the coding strand, the complement: KIAA1549 is on the minus strand). VCF-style: chr7-138919222-G-T. GRCh37 (hg19) VCF-style: chr7-138603968-G-T.
Other names: c.404C>A, p.Pro135His (NM_020910.3); short protein forms P135H.
Identifiers: ClinVar variation 787325 (VCV000787325.15), dbSNP rs79234060, ClinGen allele CA4506955.
Genomic context (GRCh38, chr7:138,919,222, plus strand): 5'-TCGTCATTGACGGCCACCTCTTTACTCGTCACTGACACGTAAGTTGCCACAAAGATGCTG[G>T]GATCTGCTGTACTTTTGGTCTGTTTTCCTTGGTTAAAAAAGGCTGTATCAAAAGTAGTGG-3'
Protein context (NP_001158137.1, residues 125-145): QGKQTKSTAD[Pro135His]SIFVATYVSV